The following is an entry in ClinVar:

NM_000083.3(CLCN1):c.2498C>T (p.Thr833Ile)

Gene: CLCN1 (chloride voltage-gated channel 1; plus strand). Cytogenetic location: 7q34.
Variant type: single nucleotide variant.
Coding change: c.2498C>T on transcript NM_000083.3 (MANE Select); coding-DNA position 2498, C replaced by T.
Protein change: p.Thr833Ile; replaces threonine 833 with isoleucine.
Molecular consequence: missense variant. On other transcripts: non-coding transcript variant (1).
Genome position (GRCh38, 1-based): chr7:143,350,466, C>T. VCF-style: chr7-143350466-C-T. GRCh37 (hg19) VCF-style: chr7-143047559-C-T.
Other names: short protein forms T833I.
Identifiers: ClinVar variation 2948353 (VCV002948353.3), dbSNP rs2116397057, ClinGen allele CA369652674.
Genomic context (GRCh38, chr7:143,350,466, plus strand): 5'-CTGTCTGTTTTGATTCCTGCTGTATTGACCAGTCTCCCTTCCAGCTGGTGGAGCAGACAA[C>T]CCTGCACAAGGTGAGTCTTTTGCTGACTGCTCAGGGCTGTGGGGAAGGCAGGAGAGCTGT-3'
Protein context (NP_000074.3, residues 823-843): QSPFQLVEQT[Thr833Ile]LHKTHTLFSL

ClinVar aggregate classification (germline): Uncertain significance (1 of 4 stars; one submission).

Conditions:
Congenital myotonia, autosomal dominant form (THD). Also called: THOMSEN DISEASE; Myotonia congenita autosomal dominant. Identifiers: Orphanet 614, MedGen C2936781, MONDO:0008055, OMIM 160800.
Congenital myotonia, autosomal recessive form. Also called: BECKER DISEASE; Becker Generalized Myotonia; myotonia congenita, autosomal recessive. Identifiers: Orphanet 614, MedGen C0751360, MONDO:0009715, OMIM 255700.

Submission:

Labcorp Genetics (formerly Invitae), Labcorp
Classification: Uncertain significance for Congenital myotonia, autosomal recessive form; Congenital myotonia, autosomal dominant form. Last evaluated: 2025-02-17. Review status: criteria provided, single submitter. Criteria: Invitae Variant Classification Sherloc (09022015). Collection method: clinical testing. Allele origin: germline.
Comment: This sequence change replaces threonine, which is neutral and polar, with isoleucine, which is neutral and non-polar, at codon 833 of the CLCN1 protein (p.Thr833Ile). This variant is not present in population databases (gnomAD no frequency). This variant has not been reported in the literature in individuals affected with CLCN1-related conditions. ClinVar contains an entry for this variant (Variation ID: 2948353). Invitae Evidence Modeling of protein sequence and biophysical properties (such as structural, functional, and spatial information, amino acid conservation, physicochemical variation, residue mobility, and thermodynamic stability) has been performed for this missense variant. However, the output from this modeling did not meet the statistical confidence thresholds required to predict the impact of this variant on CLCN1 protein function. In summary, the available evidence is currently insufficient to determine the role of this variant in disease. Therefore, it has been classified as a Variant of Uncertain Significance.